The following is an entry in ClinVar:

ClinVar aggregate classification (germline): Uncertain significance. Review status: criteria provided, multiple submitters, no conflicts (2 of 4 stars). 2 submissions from 2 submitters: Uncertain significance (2). Last evaluated 2025-07-21.

Conditions:
Meckel-Gruber syndrome. Also called: Dysencephalia splachnocystica; DYSENCEPHALIA SPLANCHNOCYSTICA; GRUBER SYNDROME. Identifiers: Orphanet 564, MedGen C0265215, MONDO:0018921.
Nephronophthisis. Also called: Juvenile Nephronophthisis. Identifiers: Orphanet 655, MedGen C0687120, MONDO:0019005, HP:0000090.
Joubert syndrome. Also called: CEREBELLOPARENCHYMAL DISORDER IV; JOUBERT-BOLTSHAUSER SYNDROME; Familial aplasia of the vermis. Identifiers: Orphanet 475, MedGen C5979921, MONDO:0018772.

Allele frequency attached by ClinVar (database versions not stated): gnomAD exomes below 0.00001; TOPMed below 0.00001.

Submissions (2):

Labcorp Genetics (formerly Invitae), Labcorp
Classification: Uncertain significance for Joubert syndrome; Meckel-Gruber syndrome; Nephronophthisis. Last evaluated: 2025-07-21. Review status: criteria provided, single submitter. Criteria: Invitae Variant Classification Sherloc (09022015). Collection method: clinical testing. Allele origin: germline.
Comment: This sequence change replaces methionine, which is neutral and non-polar, with isoleucine, which is neutral and non-polar, at codon 1405 of the CEP290 protein (p.Met1405Ile). This variant is not present in population databases (gnomAD no frequency). This variant has not been reported in the literature in individuals affected with CEP290-related conditions. ClinVar contains an entry for this variant (Variation ID: 210695). Invitae Evidence Modeling of protein sequence and biophysical properties (such as structural, functional, and spatial information, amino acid conservation, physicochemical variation, residue mobility, and thermodynamic stability) indicates that this missense variant is not expected to disrupt CEP290 protein function with a negative predictive value of 80%. In summary, the available evidence is currently insufficient to determine the role of this variant in disease. Therefore, it has been classified as a Variant of Uncertain Significance.

Genetic Services Laboratory, University of Chicago
Classification: Uncertain significance. Last evaluated: 2015-03-19. Review status: criteria provided, single submitter. Criteria: ACMG Guidelines, 2015. Collection method: clinical testing. Allele origin: germline.

NM_025114.4(CEP290):c.4215G>A (p.Met1405Ile)

Gene: CEP290 (centrosomal protein 290; minus strand). Cytogenetic location: 12q21.32.
Variant type: single nucleotide variant.
Coding change: c.4215G>A on transcript NM_025114.4 (MANE Select); coding-DNA position 4215, G replaced by A.
Protein change: p.Met1405Ile; replaces methionine 1405 with isoleucine.
Molecular consequence: missense variant.
Genome position (GRCh38, 1-based): chr12:88,086,478, C>T on the plus strand (G>A on the coding strand, the complement: CEP290 is on the minus strand). VCF-style: chr12-88086478-C-T. GRCh37 (hg19) VCF-style: chr12-88480255-C-T.
Other names: short protein forms M1405I.
Identifiers: ClinVar variation 210695 (VCV000210695.9), dbSNP rs797045457, ClinGen allele CA208486.